The following is an entry in ClinVar:

NM_001735.3(C5):c.966C>A (p.Tyr322Ter)

Gene: C5 (complement C5; minus strand). Cytogenetic location: 9q33.2.
Variant type: single nucleotide variant.
Coding change: c.966C>A on transcript NM_001735.3 (MANE Select); coding-DNA position 966, C replaced by A.
Protein change: p.Tyr322Ter; replaces tyrosine 322 with a stop codon.
Molecular consequence: nonsense.
Genome position (GRCh38, 1-based): chr9:121,025,488, G>T on the plus strand (C>A on the coding strand, the complement: C5 is on the minus strand). VCF-style: chr9-121025488-G-T. GRCh37 (hg19) VCF-style: chr9-123787766-G-T.
Other names: c.984C>A, p.Tyr328Ter (NM_001317163.2); c.966C>A, p.Tyr322Ter (NM_001317164.2); short protein forms Y322*, Y328*.
Identifiers: ClinVar variation 4770526 (VCV004770526.1).

ClinVar aggregate classification (germline): Pathogenic (1 of 4 stars; one submission).

gnomAD v4.1: 3 of 1,608,598 alleles (0.00019%); highest among the groups gnomAD compares: Non-Finnish European, 0.00025%; no homozygotes.

Submission:

Labcorp Genetics (formerly Invitae), Labcorp
Classification: Pathogenic. Last evaluated: 2026-01-18. Review status: criteria provided, single submitter. Criteria: Invitae Variant Classification Sherloc (09022015). Collection method: clinical testing. Allele origin: germline.
Comment: This sequence change creates a premature translational stop signal (p.Tyr322*) in the C5 gene. It is expected to result in an absent or disrupted protein product. Loss-of-function variants in C5 are known to be pathogenic (PMID: 7730648, 19414197, 27026170). This variant is present in population databases (no rsID available, gnomAD 0.007%). This variant has not been reported in the literature in individuals affected with C5-related conditions. For these reasons, this variant has been classified as Pathogenic.

Literature cited by the submitters: PubMed 7730648; PubMed 19414197; PubMed 27026170.